The following is an entry in ClinVar:

ClinVar aggregate classification (germline): Uncertain significance (1 of 4 stars; one submission).

gnomAD v4.1: 1 of 1,431,552 alleles (0.00007%); highest among the groups gnomAD compares: Non-Finnish European, 0.000097%; no homozygotes.

Submission:

Mayo Clinic Laboratories, Mayo Clinic
Classification: Uncertain significance. Last evaluated: 2025-04-29. Review status: criteria provided, single submitter. Criteria: ACMG Guidelines, 2015. Collection method: clinical testing. Allele origin: germline. Observed: 1 variant allele.
Comment: PM2_supporting

NM_001364905.1(LRBA):c.2067+4A>G

Gene: LRBA (LPS responsive beige-like anchor protein; minus strand). Cytogenetic location: 4q31.3.
Variant type: single nucleotide variant.
Coding change: c.2067+4A>G on transcript NM_001364905.1 (MANE Select); 4 bases into the intron after coding-DNA position 2067, A replaced by G.
Molecular consequence: intron variant.
Genome position (GRCh38, 1-based): chr4:150,896,390, T>C on the plus strand (A>G on the coding strand, the complement: LRBA is on the minus strand). VCF-style: chr4-150896390-T-C. GRCh37 (hg19) VCF-style: chr4-151817542-T-C.
Other names: p.?; c.2067+4A>G (NM_001367550.1, NM_006726.5, NM_001199282.3 and 2 more transcripts).
Identifiers: ClinVar variation 4541003 (VCV004541003.1).